The following is an entry in ClinVar:

ClinVar aggregate classification (germline): Pathogenic (1 of 4 stars; one submission).

Conditions:
Mucolipidosis type IV (ML4). Also called: ML IV. Identifiers: Orphanet 578, MedGen C0238286, MONDO:0009653, OMIM 252650.

Allele frequency attached by ClinVar (database versions not stated): gnomAD exomes below 0.00001.
gnomAD v4.1: 1 of 1,614,168 alleles (0.000062%); highest among the groups gnomAD compares: East Asian, 0.0022%; no homozygotes.

Submission:

Labcorp Genetics (formerly Invitae), Labcorp
Classification: Pathogenic for Mucolipidosis type IV. Last evaluated: 2019-11-19. Review status: criteria provided, single submitter. Criteria: Invitae Variant Classification Sherloc (09022015). Collection method: clinical testing. Allele origin: germline.
Comment: For these reasons, this variant has been classified as Pathogenic. Loss-of-function variants in MCOLN1 are known to be pathogenic (PMID: 11030752, 11317355). This variant has not been reported in the literature in individuals with MCOLN1-related conditions. This variant is not present in population databases (ExAC no frequency). This sequence change creates a premature translational stop signal (p.Cys64*) in the MCOLN1 gene. It is expected to result in an absent or disrupted protein product.

Literature cited by the submitters: PubMed 11030752; PubMed 11317355.

NM_020533.3(MCOLN1):c.192C>A (p.Cys64Ter)

Gene: MCOLN1 (mucolipin TRP cation channel 1; plus strand). Cytogenetic location: 19p13.2.
Variant type: single nucleotide variant.
Coding change: c.192C>A on transcript NM_020533.3 (MANE Select); coding-DNA position 192, C replaced by A.
Protein change: p.Cys64Ter; replaces cysteine 64 with a stop codon.
Molecular consequence: nonsense.
Genome position (GRCh38, 1-based): chr19:7,525,121, C>A. VCF-style: chr19-7525121-C-A. GRCh37 (hg19) VCF-style: chr19-7590007-C-A.
Other names: short protein forms C64*.
Identifiers: ClinVar variation 836263 (VCV000836263.7), dbSNP rs2022550603, ClinGen allele CA403152933.
Genomic context (GRCh38, chr19:7,525,121, plus strand): 5'-TCTCAAATACTTTTTCATGAGTCCCTGCGACAAGTTTCGAGCCAAGGGCCGCAAGCCCTG[C>A]AAGCTGATGCTGCAAGTGGTCAAGATCCTGGTGGTCACGGTGCAGGTGAGGCCAGCCAAG-3'